The following is an entry in ClinVar:

NM_003632.3(CNTNAP1):c.2250C>A (p.Asp750Glu)

Gene: CNTNAP1 (contactin associated protein 1; plus strand). Cytogenetic location: 17q21.2.
Variant type: single nucleotide variant.
Coding change: c.2250C>A on transcript NM_003632.3 (MANE Select); coding-DNA position 2250, C replaced by A.
Protein change: p.Asp750Glu; replaces aspartic acid 750 with glutamic acid.
Molecular consequence: missense variant.
Genome position (GRCh38, 1-based): chr17:42,691,417, C>A. VCF-style: chr17-42691417-C-A. GRCh37 (hg19) VCF-style: chr17-40843435-C-A.
Other names: short protein forms D750E.
Identifiers: ClinVar variation 1357424 (VCV001357424.6), dbSNP rs770900986, ClinGen allele CA8582007.
Genomic context (GRCh38, chr17:42,691,417, plus strand): 5'-CTGAGCCATGACATCCTGCCCCCACAGGAGAACTGACAAGGGACTGCTGACCTTTGTGGA[C>A]CATCTGCCTGTCACTCAGGTAGTGATAGGGGATACGAACCGCTCCACTTCTGAGGCCCAG-3'
Protein context (NP_003623.1, residues 740-760): RTDKGLLTFV[Asp750Glu]HLPVTQVVIG

ClinVar aggregate classification (germline): Uncertain significance (1 of 4 stars; one submission).

Allele frequency attached by ClinVar (database versions not stated): TOPMed below 0.00001; ExAC 0.00001; gnomAD exomes 0.00001.
gnomAD v4.1: 19 of 1,614,096 alleles (0.0012%); highest among the groups gnomAD compares: Non-Finnish European, 0.0015%; no homozygotes.

Submission:

Labcorp Genetics (formerly Invitae), Labcorp
Classification: Uncertain significance. Last evaluated: 2025-01-20. Review status: criteria provided, single submitter. Criteria: Invitae Variant Classification Sherloc (09022015). Collection method: clinical testing. Allele origin: germline.
Comment: This sequence change replaces aspartic acid, which is acidic and polar, with glutamic acid, which is acidic and polar, at codon 750 of the CNTNAP1 protein (p.Asp750Glu). This variant is present in population databases (rs770900986, gnomAD 0.0009%). This variant has not been reported in the literature in individuals affected with CNTNAP1-related conditions. ClinVar contains an entry for this variant (Variation ID: 1357424). An algorithm developed to predict the effect of missense changes on protein structure and function (PolyPhen-2) suggests that this variant¬†is likely to be tolerated. In summary, the available evidence is currently insufficient to determine the role of this variant in disease. Therefore, it has been classified as a Variant of Uncertain Significance.